The following is an entry in ClinVar:

ClinVar aggregate classification (germline): Uncertain significance (1 of 4 stars; one submission).

Conditions:
Early-infantile DEE. Also called: Ohtahara syndrome; Early infantile epileptic encephalopathy; Early infantile epileptic encephalopathy with suppression bursts. Identifiers: Orphanet 1934, MedGen C0393706, MONDO:0800491.

Submission:

Labcorp Genetics (formerly Invitae), Labcorp
Classification: Uncertain significance for Early-infantile DEE. Last evaluated: 2022-05-21. Review status: criteria provided, single submitter. Criteria: Invitae Variant Classification Sherloc (09022015). Collection method: clinical testing. Allele origin: germline.
Comment: Advanced modeling of protein sequence and biophysical properties (such as structural, functional, and spatial information, amino acid conservation, physicochemical variation, residue mobility, and thermodynamic stability) performed at Invitae indicates that this missense variant is expected to disrupt SCN1A protein function. This variant has not been reported in the literature in individuals affected with SCN1A-related conditions. This variant is not present in population databases (gnomAD no frequency). This sequence change replaces leucine, which is neutral and non-polar, with valine, which is neutral and non-polar, at codon 1327 of the SCN1A protein (p.Leu1327Val). In summary, the available evidence is currently insufficient to determine the role of this variant in disease. Therefore, it has been classified as a Variant of Uncertain Significance.

NM_001165963.4(SCN1A):c.3979T>G (p.Leu1327Val)

Genes: SCN1A (sodium voltage-gated channel alpha subunit 1; minus strand), LOC102724058 (uncharacterized LOC102724058; plus strand). Cytogenetic location: 2q24.3.
Variant type: single nucleotide variant.
Coding change: c.3979T>G on transcript NM_001165963.4 (MANE Select); coding-DNA position 3979, T replaced by G.
Protein change: p.Leu1327Val; replaces leucine 1327 with valine.
Molecular consequence: missense variant. On other transcripts: non-coding transcript variant (1).
Genome position (GRCh38, 1-based): chr2:166,009,742, A>C on the plus strand (T>G on the coding strand, the complement: SCN1A is on the minus strand). VCF-style: chr2-166009742-A-C. GRCh37 (hg19) VCF-style: chr2-166866252-A-C.
Other names: c.3943T>G, p.Leu1315Val (NM_001353955.2, NM_001353954.2); c.3895T>G, p.Leu1299Val (NM_001353957.2, NM_001353958.2, NM_001165964.3); c.3892T>G, p.Leu1298Val (NM_001353960.2); c.1537T>G, p.Leu513Val (NM_001353961.2); c.3946T>G, p.Leu1316Val (NM_006920.6, NM_001353949.2, NM_001353950.2 and 2 more transcripts); c.3979T>G, p.Leu1327Val (NM_001202435.3, NM_001353948.2); short protein forms L1299V, L1327V, L1298V, L1315V, L1316V, L513V.
Identifiers: ClinVar variation 1997561 (VCV001997561.4), dbSNP rs1222098770, ClinGen allele CA349052961.